The following is an entry in ClinVar:

NM_005236.3(ERCC4):c.*3537C>T

Gene: ERCC4 (ERCC excision repair 4, endonuclease catalytic subunit; plus strand). Cytogenetic location: 16p13.12.
Variant type: single nucleotide variant.
Coding change: c.*3537C>T on transcript NM_005236.3 (MANE Select); 3537 bases downstream of the stop codon, C replaced by T.
Molecular consequence: 3 prime UTR variant.
Genome position (GRCh38, 1-based): chr16:13,951,884, C>T. VCF-style: chr16-13951884-C-T. GRCh37 (hg19) VCF-style: chr16-14045741-C-T.
Identifiers: ClinVar variation 317873 (VCV000317873.5), dbSNP rs113073720, ClinGen allele CA10637095.

ClinVar aggregate classification (germline): Likely benign (1 of 4 stars; one submission).

Conditions:
Xeroderma pigmentosum, group F (XPF). Also called: XERODERMA PIGMENTOSUM, COMPLEMENTATION GROUP F; XERODERMA PIGMENTOSUM VI; XP, GROUP F; ERCC4-Related Xeroderma Pigmentosum; XERODERMA PIGMENTOSUM, TYPE F; Xeroderma pigmentosum, type 6. Identifiers: MedGen C0268140, MONDO:0010215, OMIM 278760.

Allele frequency attached by ClinVar (database versions not stated): gnomAD exomes 0.00160; gnomAD 0.01006 and 0.01062; 1000 Genomes Project 30x 0.01140; TOPMed 0.01144; 1000 Genomes Project 0.01158.

Submission:

Illumina Laboratory Services, Illumina
Classification: Likely benign for Xeroderma pigmentosum, group F. Last evaluated: 2017-04-27. Review status: criteria provided, single submitter. Criteria: ICSL Variant Classification Criteria 13 December 2019. Collection method: clinical testing. Allele origin: germline.
Comment: This variant was observed as part of a predisposition screen in an ostensibly healthy population. A literature search was performed for the gene, cDNA change, and amino acid change (where applicable). No publications were found based on this search. Allele frequency data from public databases allowed determination this variant is unlikely to cause disease. Therefore, this variant is classified as likely benign.